The following is an entry in ClinVar:

NM_005631.5(SMO):c.1570G>C (p.Ala524Pro)

Gene: SMO (smoothened, frizzled class receptor; plus strand). Cytogenetic location: 7q32.1.
Variant type: single nucleotide variant.
Coding change: c.1570G>C on transcript NM_005631.5 (MANE Select); coding-DNA position 1570, G replaced by C.
Protein change: p.Ala524Pro; replaces alanine 524 with proline.
Molecular consequence: missense variant.
Genome position (GRCh38, 1-based): chr7:129,210,466, G>C. VCF-style: chr7-129210466-G-C. GRCh37 (hg19) VCF-style: chr7-128850307-G-C.
Other names: short protein forms A524P.
Identifiers: ClinVar variation 4530301 (VCV004530301.1).

ClinVar aggregate classification (somatic clinical impact): Tier II - Potential (1 of 4 stars; one submission).

Conditions:
Medulloblastoma WNT activated. Identifiers: MedGen C4331965, MONDO:0850196.

Submission:

Institute for Genomic Medicine (IGM) Clinical Laboratory, Nationwide Children's Hospital
Classification: Tier II - Potential for Medulloblastoma WNT activated. Assertion type: diagnostic. Clinical significance: supports diagnosis. Last evaluated: 2025-10-10. Review status: criteria provided, single submitter. Criteria: AMP/ASCO/CAP Guidelines, 2017. Collection method: clinical testing. Allele origin: somatic. Affected: yes.
Comment: Variant has Tier II (potential) clinical significance as a diagnostic inclusion criterion in medulloblastoma WNT activated, based on the following evidence: 1) Assists in diagnosis alone or along with other biomarkers based on small studies or few case reports (Evidence Level D; PMIDs: 28726821, 34409497, 26389418, 33741928, 24651015, 29435664).

Literature cited by the submitters: PubMed 28726821; PubMed 34409497; PubMed 26389418; PubMed 33741928; PubMed 24651015; PubMed 29435664.